The following is an entry in ClinVar:

ClinVar aggregate classification (germline): Uncertain significance. Review status: criteria provided, multiple submitters, no conflicts (2 of 4 stars). 2 submissions from 2 submitters: Uncertain significance (2). Last evaluated 2021-07-01.

Conditions:
Inborn genetic diseases. Identifiers: MedGen C0950123, MeSH D030342.
Joubert syndrome. Also called: Familial aplasia of the vermis; CEREBELLOPARENCHYMAL DISORDER IV; JOUBERT-BOLTSHAUSER SYNDROME. Identifiers: Orphanet 475, MedGen C5979921, MONDO:0018772.

Allele frequency attached by ClinVar (database versions not stated): gnomAD exomes below 0.00001.
gnomAD v4.1: 1 of 1,613,734 alleles (0.000062%); highest among the groups gnomAD compares: Non-Finnish European, 0.000085%; no homozygotes.

Submissions (2):

Ambry Genetics
Classification: Uncertain significance for Inborn genetic diseases. Last evaluated: 2021-07-01. Review status: criteria provided, single submitter. Criteria: Ambry Variant Classification Scheme 2023. Collection method: clinical testing. Allele origin: germline.

Labcorp Genetics (formerly Invitae), Labcorp
Classification: Uncertain significance for Joubert syndrome. Last evaluated: 2020-06-13. Review status: criteria provided, single submitter. Criteria: Invitae Variant Classification Sherloc (09022015). Collection method: clinical testing. Allele origin: germline.
Comment: In summary, the available evidence is currently insufficient to determine the role of this variant in disease. Therefore, it has been classified as a Variant of Uncertain Significance. Algorithms developed to predict the effect of missense changes on protein structure and function are either unavailable or do not agree on the potential impact of this missense change (SIFT: "Deleterious"; PolyPhen-2: "Probably Damaging"; Align-GVGD: "Class C0"). This variant has not been reported in the literature in individuals with AHI1-related conditions. This variant is not present in population databases (ExAC no frequency). This sequence change replaces histidine with aspartic acid at codon 369 of the AHI1 protein (p.His369Asp). The histidine residue is highly conserved and there is a moderate physicochemical difference between histidine and aspartic acid.

NM_001134831.2(AHI1):c.1105C>G (p.His369Asp)

Gene: AHI1 (Abelson helper integration site 1; minus strand). Cytogenetic location: 6q23.3.
Variant type: single nucleotide variant.
Coding change: c.1105C>G on transcript NM_001134831.2 (MANE Select); coding-DNA position 1105, C replaced by G.
Protein change: p.His369Asp; replaces histidine 369 with aspartic acid.
Molecular consequence: missense variant.
Genome position (GRCh38, 1-based): chr6:135,457,540, G>C on the plus strand (C>G on the coding strand, the complement: AHI1 is on the minus strand). VCF-style: chr6-135457540-G-C. GRCh37 (hg19) VCF-style: chr6-135778678-G-C.
Other names: c.1105C>G (NM_017651.4); c.1105C>G, p.His369Asp (NM_001134830.2, NM_001134832.2, NM_001350503.2 and 2 more transcripts); short protein forms H369D.
Identifiers: ClinVar variation 1004769 (VCV001004769.9), dbSNP rs1789169805, ClinGen allele CA365747670.